The following is an entry in ClinVar:

NM_199242.3(UNC13D):c.1744C>G (p.Leu582Val)

Gene: UNC13D (unc-13 homolog D; minus strand). Cytogenetic location: 17q25.1.
Variant type: single nucleotide variant.
Coding change: c.1744C>G on transcript NM_199242.3 (MANE Select); coding-DNA position 1744, C replaced by G.
Protein change: p.Leu582Val; replaces leucine 582 with valine.
Molecular consequence: missense variant.
Genome position (GRCh38, 1-based): chr17:75,835,513, G>C on the plus strand (C>G on the coding strand, the complement: UNC13D is on the minus strand). VCF-style: chr17-75835513-G-C. GRCh37 (hg19) VCF-style: chr17-73831594-G-C.
Other names: short protein forms L582V.
Identifiers: ClinVar variation 3663818 (VCV003663818.2).

ClinVar aggregate classification (germline): Uncertain significance (1 of 4 stars; one submission).

Conditions:
Familial hemophagocytic lymphohistiocytosis 3 (FHL3). Also called: UNC13D-Related Familial Hemophagocytic Lymphohistiocytosis (UNC13D-fHLH). Identifiers: Orphanet 540, MedGen C1837174, MONDO:0012146, OMIM 608898.

Submission:

Labcorp Genetics (formerly Invitae), Labcorp
Classification: Uncertain significance for Familial hemophagocytic lymphohistiocytosis 3. Last evaluated: 2024-09-04. Review status: criteria provided, single submitter. Criteria: Invitae Variant Classification Sherloc (09022015). Collection method: clinical testing. Allele origin: germline.
Comment: This sequence change replaces leucine, which is neutral and non-polar, with valine, which is neutral and non-polar, at codon 582 of the UNC13D protein (p.Leu582Val). This variant is not present in population databases (gnomAD no frequency). This variant has not been reported in the literature in individuals affected with UNC13D-related conditions. Invitae Evidence Modeling of protein sequence and biophysical properties (such as structural, functional, and spatial information, amino acid conservation, physicochemical variation, residue mobility, and thermodynamic stability) indicates that this missense variant is not expected to disrupt UNC13D protein function with a negative predictive value of 80%. In summary, the available evidence is currently insufficient to determine the role of this variant in disease. Therefore, it has been classified as a Variant of Uncertain Significance.